The following is an entry in ClinVar:

ClinVar aggregate classification (germline): Uncertain significance. Review status: criteria provided, single submitter (1 of 4 stars). 3 submissions from 3 submitters: Uncertain significance (1). 2 of the submissions do not count toward it. Last evaluated 2022-10-24.

Conditions:
Joubert syndrome. Also called: JOUBERT-BOLTSHAUSER SYNDROME; Familial aplasia of the vermis. Identifiers: Orphanet 475, MedGen C5979921, MONDO:0018772.
Meckel-Gruber syndrome. Also called: DYSENCEPHALIA SPLANCHNOCYSTICA; GRUBER SYNDROME; Dysencephalia splachnocystica. Identifiers: Orphanet 564, MedGen C0265215, MONDO:0018921.
CC2D2A-related disorder. Also called: CC2D2A-related disorders; CC2D2A-related condition. Identifiers: MedGen CN239313.

Allele frequency attached by ClinVar (database versions not stated): 1000 Genomes Project 30x 0.00016; 1000 Genomes Project 0.00020.
gnomAD v4.1: 6 of 1,613,480 alleles (0.00037%); highest among the groups gnomAD compares: South Asian, 0.0066%; no homozygotes.

Submissions (3):

Labcorp Genetics (formerly Invitae), Labcorp
Classification: Uncertain significance for Joubert syndrome; Meckel-Gruber syndrome. Last evaluated: 2022-10-24. Review status: criteria provided, single submitter. Criteria: Invitae Variant Classification Sherloc (09022015). Collection method: clinical testing. Allele origin: germline.
Comment: This sequence change replaces threonine, which is neutral and polar, with lysine, which is basic and polar, at codon 564 of the CC2D2A protein (p.Thr564Lys). This variant is present in population databases (rs201954181, gnomAD 0.01%). This variant has not been reported in the literature in individuals affected with CC2D2A-related conditions. Advanced modeling of protein sequence and biophysical properties (such as structural, functional, and spatial information, amino acid conservation, physicochemical variation, residue mobility, and thermodynamic stability) performed at Invitae indicates that this missense variant is not expected to disrupt CC2D2A protein function. In summary, the available evidence is currently insufficient to determine the role of this variant in disease. Therefore, it has been classified as a Variant of Uncertain Significance.

PreventionGenetics, part of Exact Sciences
Classification: Uncertain significance for CC2D2A-related condition. Last evaluated: 2023-12-08. Review status: no assertion criteria provided. Collection method: clinical testing. Allele origin: germline. Not counted in ClinVar's aggregate classification.
Comment: The CC2D2A c.1691C>A variant is predicted to result in the amino acid substitution p.Thr564Lys. To our knowledge, this variant has not been reported in the literature. This variant is reported in 0.013% of alleles in individuals of South Asian descent in gnomAD. At this time, the clinical significance of this variant is uncertain due to the absence of conclusive functional and genetic evidence.

Genetic Services Laboratory, University of Chicago
Classification: Uncertain significance. Last evaluated: 2022-04-20. Review status: no assertion criteria provided. Collection method: clinical testing. Allele origin: germline. Affected: no. Not counted in ClinVar's aggregate classification.
Comment: DNA sequence analysis of the CC2D2A gene demonstrated a sequence change, c.1691C>A, in exon 16 that results in an amino acid change, p.Thr564Lys. This sequence change has been described in the gnomAD database with a frequency of 0.013% in the South Asian subpopulation (dbSNP rs201954181). The p.Thr564Lys change affects a poorly conserved amino acid residue located in a domain of the CC2D2A protein that is not known to be functional. The p.Thr564Lys substitution appears to be benign using several in-silico pathogenicity prediction tools (SIFT, PolyPhen2, Align GVGD, REVEL). This sequence change does not appear to have been previously described in individuals with CC2D2A-related disorders. Due to insufficient evidences and the lack of functional studies, the clinical significance of the p.Thr564Lys change remains unknown at this time.

NM_001378615.1(CC2D2A):c.1691C>A (p.Thr564Lys)

Genes: CC2D2A (coiled-coil and C2 domain containing 2A; plus strand), FBXL5 (F-box and leucine rich repeat protein 5; minus strand). Cytogenetic location: 4p15.32.
Variant type: single nucleotide variant.
Coding change: c.1691C>A on transcript NM_001378615.1 (MANE Select); coding-DNA position 1691, C replaced by A.
Protein change: p.Thr564Lys; replaces threonine 564 with lysine.
Molecular consequence: missense variant.
Genome position (GRCh38, 1-based): chr4:15,537,003, C>A. VCF-style: chr4-15537003-C-A. GRCh37 (hg19) VCF-style: chr4-15538626-C-A.
Other names: c.1691C>A, p.Thr564Lys (NM_001080522.2); c.1544C>A, p.Thr515Lys (NM_001378617.1); short protein forms T515K, T564K.
Identifiers: ClinVar variation 2165571 (VCV002165571.5), dbSNP rs201954181, ClinGen allele CA2863733.